The following is an entry in ClinVar:

NM_005120.3(MED12):c.6330A>G (p.Gln2110=)

Gene: MED12 (mediator complex subunit 12; plus strand). Cytogenetic location: Xq13.1.
Variant type: single nucleotide variant.
Coding change: c.6330A>G on transcript NM_005120.3 (MANE Select); coding-DNA position 6330, A replaced by G.
Protein change: p.Gln2110=; no amino-acid change (glutamine 2110 retained).
Molecular consequence: synonymous variant.
Genome position (GRCh38, 1-based): chrX:71,141,292, A>G. VCF-style: chrX-71141292-A-G. GRCh37 (hg19) VCF-style: chrX-70361142-A-G.
Other names: c.6330A>G (NM_005120.2).
Identifiers: ClinVar variation 3024713 (VCV003024713.22), dbSNP rs80213780, ClinGen allele CA516728517.

ClinVar aggregate classification (germline): Likely benign. Review status: criteria provided, multiple submitters, no conflicts (2 of 4 stars). 2 submissions from 2 submitters: Likely benign (2). Last evaluated 2025-12-22.

Conditions:
Familial thoracic aortic aneurysm and aortic dissection (TAAD). Also called: Thoracic aortic aneurysms and dissections. Identifiers: Orphanet 91387, MedGen C4707243, MONDO:0019625.

Allele frequency attached by ClinVar (database versions not stated): gnomAD 0.00002.

Submissions (2):

Ambry Genetics
Classification: Likely benign for Familial thoracic aortic aneurysm and aortic dissection. Last evaluated: 2025-12-22. Review status: criteria provided, single submitter. Criteria: Ambry Variant Classification Scheme 2023. Collection method: clinical testing. Allele origin: germline.

CeGaT Center for Human Genetics Tuebingen
Classification: Likely benign. Last evaluated: 2024-01-01. Review status: criteria provided, single submitter. Criteria: CeGaT Center For Human Genetics Tuebingen Variant Classification Criteria Version 2. Collection method: clinical testing. Allele origin: germline. Affected: yes. Observed: 1 variant allele.
Comment: MED12: BP4, BP7